The following is an entry in ClinVar:

ClinVar aggregate classification (germline): Pathogenic (1 of 4 stars; one submission).

Submission:

Labcorp Genetics (formerly Invitae), Labcorp
Classification: Pathogenic. Last evaluated: 2025-03-06. Review status: criteria provided, single submitter. Criteria: Invitae Variant Classification Sherloc (09022015). Collection method: clinical testing. Allele origin: germline.
Comment: This sequence change creates a premature translational stop signal (p.Asp253Thrfs*24) in the FOXC2 gene. While this is not anticipated to result in nonsense mediated decay, it is expected to disrupt the last 249 amino acid(s) of the FOXC2 protein. This variant is not present in population databases (gnomAD no frequency). This variant has not been reported in the literature in individuals affected with FOXC2-related conditions. This variant disrupts a region of the FOXC2 protein in which other variant(s) (p.Tyr313Argfs*152) have been determined to be pathogenic (PMID: 11371511, 24167460, 35716761). This suggests that this is a clinically significant region of the protein, and that variants that disrupt it are likely to be disease-causing. For these reasons, this variant has been classified as Pathogenic.

Literature cited by the submitters: PubMed 11371511; PubMed 24167460; PubMed 35716761.

NM_005251.3(FOXC2):c.756del (p.Asp253fs)

Gene: FOXC2 (forkhead box C2; plus strand). Cytogenetic location: 16q24.1.
Variant type: Deletion.
Coding change: c.756del on transcript NM_005251.3 (MANE Select); coding-DNA position 756, one base deleted (C; older notation c.756delC).
Protein change: p.Asp253fs; shifts the reading frame from aspartic acid 253.
Molecular consequence: frameshift variant.
Genome position (GRCh38, 1-based): chr16:86,568,091, C deleted; the last of 5 consecutive C bases (chr16:86,568,087-86,568,091); deleting any one gives the same sequence. VCF-style (leftmost placement, unchanged base first): chr16-86568086-TC-T. GRCh37 (hg19) VCF-style: chr16-86601692-TC-T.
Other names: short protein forms D253fs.
Identifiers: ClinVar variation 4714552 (VCV004714552.1).
Genomic context (GRCh38, chr16:86,568,086, plus strand): 5'-CTGAGCCCCGAGAGCGCGCTGCAGGGCAGCCCGCGCAGCGCGGCCTCCACGCCCGCCGGC[TC>T]CCCCGACGGCTCGCTGCCGGAGCACCACGCCGCGGCGCCCAACGGGCTGCCTGGCTTCAG-3'